The following is an entry in ClinVar:

NM_000092.5(COL4A4):c.2077C>T (p.Pro693Ser)

Gene: COL4A4 (collagen type IV alpha 4 chain; minus strand). Cytogenetic location: 2q36.3.
Variant type: single nucleotide variant.
Coding change: c.2077C>T on transcript NM_000092.5 (MANE Select); coding-DNA position 2077, C replaced by T.
Protein change: p.Pro693Ser; replaces proline 693 with serine.
Molecular consequence: missense variant.
Genome position (GRCh38, 1-based): chr2:227,060,223, G>A on the plus strand (C>T on the coding strand, the complement: COL4A4 is on the minus strand). VCF-style: chr2-227060223-G-A. GRCh37 (hg19) VCF-style: chr2-227924939-G-A.
Other names: short protein forms P693S.
Identifiers: ClinVar variation 4850895 (VCV004850895.1).
Genomic context (GRCh38, chr2:227,060,223, plus strand): 5'-CTGGTGTGCCAGGTCTGCCTTTATGCCCATCTGAACCACTCAGCCCAGGGGCACCTTGGG[G>A]ACCTGGAAATCCCTTCGGACCTAAACAATAATAAAAACAAAACACAGACTCAATAAAACA-3'
Protein context (NP_000083.3, residues 683-703): GPPGPKGFPG[Pro693Ser]QGAPGLSGSD

ClinVar aggregate classification (germline): Uncertain significance (1 of 4 stars; one submission).

Conditions:
Autosomal recessive Alport syndrome (ATS2). Also called: COL4A4 Alport Syndrome and Thin Basement Membrane Nephropathy; Alport syndrome type 2; COL4A3-Related Nephropathy; ALPORT SYNDROME 2, AUTOSOMAL RECESSIVE. Identifiers: Orphanet 63, Orphanet 88919, MedGen C4746745, MONDO:0008762, OMIM 203780.

gnomAD v4.1: 7 of 1,612,286 alleles (0.00043%); highest among the groups gnomAD compares: South Asian, 0.0066%; no homozygotes.

Submission:

Genetics laboratory, Institute of Kidney Diseases & Research Centre Dr. H.L. Trivedi Institute Of Transplantation Sciences
Classification: Uncertain significance for Autosomal recessive Alport syndrome. Last evaluated: 2024-11-15. Review status: criteria provided, single submitter. Criteria: ACMG Guidelines, 2015. Collection method: clinical testing. Allele origin: germline. Inheritance: Autosomal recessive inheritance. Affected: yes. Observed: 1 variant allele, 1 heterozygote.
Comment: The COL4A4 variant c.2077C>T (p.Pro693Ser) is classified as a Variant of Uncertain Significance. The variant is rare in population databases; however, it does not involve a glycine residue within the collagenous Gly-X-Y domain, which represents the major pathogenic mechanism in COL4A4-related disorders. Current evidence is insufficient to determine its clinical significance.